The following is an entry in ClinVar:

NM_001151.4(SLC25A4):c.613C>T (p.Pro205Ser)

Gene: SLC25A4 (solute carrier family 25 member 4; plus strand). Cytogenetic location: 4q35.1.
Variant type: single nucleotide variant.
Coding change: c.613C>T on transcript NM_001151.4 (MANE Select); coding-DNA position 613, C replaced by T.
Protein change: p.Pro205Ser; replaces proline 205 with serine.
Molecular consequence: missense variant.
Genome position (GRCh38, 1-based): chr4:185,145,773, C>T. VCF-style: chr4-185145773-C-T. GRCh37 (hg19) VCF-style: chr4-186066927-C-T.
Other names: short protein forms P205S.
Identifiers: ClinVar variation 1716635 (VCV001716635.5), dbSNP rs2477171267, ClinGen allele CA358897016.

ClinVar aggregate classification (germline): Uncertain significance (1 of 4 stars; one submission).

Submission:

Labcorp Genetics (formerly Invitae), Labcorp
Classification: Uncertain significance. Last evaluated: 2022-08-17. Review status: criteria provided, single submitter. Criteria: Invitae Variant Classification Sherloc (09022015). Collection method: clinical testing. Allele origin: germline.
Comment: This sequence change replaces proline, which is neutral and non-polar, with serine, which is neutral and polar, at codon 205 of the SLC25A4 protein (p.Pro205Ser). This variant is not present in population databases (gnomAD no frequency). This variant has not been reported in the literature in individuals affected with SLC25A4-related conditions. Algorithms developed to predict the effect of missense changes on protein structure and function are either unavailable or do not agree on the potential impact of this missense change (SIFT: "Tolerated"; PolyPhen-2: "Probably Damaging"; Align-GVGD: "Class C0"). In summary, the available evidence is currently insufficient to determine the role of this variant in disease. Therefore, it has been classified as a Variant of Uncertain Significance.